The following is an entry in ClinVar:

ClinVar aggregate classification (germline): Uncertain significance (1 of 4 stars; one submission).

Conditions:
Inborn genetic diseases. Identifiers: MedGen C0950123, MeSH D030342.

Allele frequency attached by ClinVar (database versions not stated): ExAC 0.00001; gnomAD 0.00001; 1000 Genomes Project 0.00020; 1000 Genomes Project 30x 0.00031.
gnomAD v4.1: 1 of 1,614,028 alleles (0.000062%); highest among the groups gnomAD compares: African/African-American, 0.0013%; no homozygotes.

Submission:

Ambry Genetics
Classification: Uncertain significance for Inborn genetic diseases. Last evaluated: 2022-03-14. Review status: criteria provided, single submitter. Criteria: Ambry Variant Classification Scheme 2023. Collection method: clinical testing. Allele origin: germline.
Comment: The p.P222L variant (also known as c.665C>T), located in coding exon 6 of the BUB1B gene, results from a C to T substitution at nucleotide position 665. The proline at codon 222 is replaced by leucine, an amino acid with similar properties. This amino acid position is conserved. In addition, this alteration is predicted to be tolerated by in silico analysis. Since supporting evidence is limited at this time, the clinical significance of this alteration remains unclear.

NM_001211.6(BUB1B):c.665C>T (p.Pro222Leu)

Gene: BUB1B (BUB1 mitotic checkpoint serine/threonine kinase B; plus strand). Cytogenetic location: 15q15.1.
Variant type: single nucleotide variant.
Coding change: c.665C>T on transcript NM_001211.6 (MANE Select); coding-DNA position 665, C replaced by T.
Protein change: p.Pro222Leu; replaces proline 222 with leucine.
Molecular consequence: missense variant.
Genome position (GRCh38, 1-based): chr15:40,183,797, C>T. VCF-style: chr15-40183797-C-T. GRCh37 (hg19) VCF-style: chr15-40475998-C-T.
Other names: short protein forms P222L.
Identifiers: ClinVar variation 1754729 (VCV001754729.2), dbSNP rs199509124, ClinGen allele CA7475534.